The following is an entry in ClinVar:

ClinVar aggregate classification (germline): Uncertain significance. Review status: criteria provided, multiple submitters, no conflicts (2 of 4 stars). 2 submissions from 2 submitters: Uncertain significance (2). Last evaluated 2025-06-19.

Allele frequency attached by ClinVar (database versions not stated): TOPMed 0.00013; ExAC 0.00040; gnomAD 0.00012; ESP Exome Variant Server 0.00017; gnomAD exomes 0.00014.

Submissions (2):

Ambry Genetics
Classification: Uncertain significance. Last evaluated: 2025-06-19. Review status: criteria provided, single submitter. Criteria: Ambry Variant Classification Scheme 2023. Collection method: clinical testing. Allele origin: germline.

Labcorp Genetics (formerly Invitae), Labcorp
Classification: Uncertain significance. Last evaluated: 2022-10-17. Review status: criteria provided, single submitter. Criteria: Invitae Variant Classification Sherloc (09022015). Collection method: clinical testing. Allele origin: germline.
Comment: In summary, the available evidence is currently insufficient to determine the role of this variant in disease. Therefore, it has been classified as a Variant of Uncertain Significance. Algorithms developed to predict the effect of missense changes on protein structure and function are either unavailable or do not agree on the potential impact of this missense change (SIFT: "Deleterious"; PolyPhen-2: "Benign"; Align-GVGD: "Class C15"). This variant has not been reported in the literature in individuals affected with LRRCC1-related conditions. This variant is present in population databases (rs200992380, gnomAD 0.05%). This sequence change replaces leucine, which is neutral and non-polar, with phenylalanine, which is neutral and non-polar, at codon 567 of the LRRCC1 protein (p.Leu567Phe).

NM_033402.5(LRRCC1):c.1699C>T (p.Leu567Phe)

Gene: LRRCC1 (leucine rich repeat and coiled-coil centrosomal protein 1; plus strand). Cytogenetic location: 8q21.2.
Variant type: single nucleotide variant.
Coding change: c.1699C>T on transcript NM_033402.5 (MANE Select); coding-DNA position 1699, C replaced by T.
Protein change: p.Leu567Phe; replaces leucine 567 with phenylalanine.
Molecular consequence: missense variant.
Genome position (GRCh38, 1-based): chr8:85,129,991, C>T. VCF-style: chr8-85129991-C-T. GRCh37 (hg19) VCF-style: chr8-86042226-C-T.
Other names: c.1420C>T, p.Leu474Phe (NM_001349636.2); c.1273C>T, p.Leu425Phe (NM_001349637.2); c.802C>T, p.Leu268Phe (NM_001349638.2); c.562C>T, p.Leu188Phe (NM_001349639.2); short protein forms L268F, L188F, L425F, L474F, L567F.
Identifiers: ClinVar variation 2052475 (VCV002052475.6), dbSNP rs200992380, ClinGen allele CA4794729.